The following is an entry in ClinVar:

NM_024529.5(CDC73):c.794C>A (p.Pro265His)

Gene: CDC73 (cell division cycle 73; plus strand). Cytogenetic location: 1q31.2.
Variant type: single nucleotide variant.
Coding change: c.794C>A on transcript NM_024529.5 (MANE Select); coding-DNA position 794, C replaced by A.
Protein change: p.Pro265His; replaces proline 265 with histidine.
Molecular consequence: missense variant.
Genome position (GRCh38, 1-based): chr1:193,147,931, C>A. VCF-style: chr1-193147931-C-A. GRCh37 (hg19) VCF-style: chr1-193117061-C-A.
Other names: short protein forms P265H.
Identifiers: ClinVar variation 2013609 (VCV002013609.4), dbSNP rs1335804597, ClinGen allele CA343964093.
Genomic context (GRCh38, chr1:193,147,931, plus strand): 5'-TTTCCAAGAACATTTTTGCAATTCTTCAATCTGTAAAAGCCAGAGAAGAAGGGCGTGCAC[C>A]TGAACAGCGACCTGCCCCAAATGCAGCACCTGTGGTAAGAATGCTTTACTGCTTTACAGT-3'
Protein context (NP_078805.3, residues 255-275): SVKAREEGRA[Pro265His]EQRPAPNAAP

ClinVar aggregate classification (germline): Uncertain significance (1 of 4 stars; one submission).

Conditions:
Parathyroid carcinoma (PRTC). Also called: Parathyroid gland carcinoma; CDC73-Related Parathyroid Carcinoma. Identifiers: Orphanet 143, MedGen C0687150, MONDO:0012004, OMIM 608266, HP:0006780.

Submission:

Labcorp Genetics (formerly Invitae), Labcorp
Classification: Uncertain significance for Parathyroid carcinoma. Last evaluated: 2025-11-24. Review status: criteria provided, single submitter. Criteria: Invitae Variant Classification Sherloc (09022015). Collection method: clinical testing. Allele origin: germline.
Comment: This sequence change replaces proline, which is neutral and non-polar, with histidine, which is basic and polar, at codon 265 of the CDC73 protein (p.Pro265His). This variant is not present in population databases (gnomAD no frequency). This variant has not been reported in the literature in individuals affected with CDC73-related conditions. ClinVar contains an entry for this variant (Variation ID: 2013609). Invitae Evidence Modeling of protein sequence and biophysical properties (such as structural, functional, and spatial information, amino acid conservation, physicochemical variation, residue mobility, and thermodynamic stability) indicates that this missense variant is not expected to disrupt CDC73 protein function with a negative predictive value of 80%. In summary, the available evidence is currently insufficient to determine the role of this variant in disease. Therefore, it has been classified as a Variant of Uncertain Significance.